The following is an entry in ClinVar:

ClinVar aggregate classification (germline): Uncertain significance. Review status: criteria provided, multiple submitters, no conflicts (2 of 4 stars). 3 submissions from 3 submitters: Uncertain significance (3). Last evaluated 2024-06-09.

Conditions:
Familial hypobetalipoproteinemia 1. Also called: Hypobetalipoproteinemia, normotriglyceridemic; Acanthocytosis with hypobetalipoproteinemia; APOB-Related Familial Hypobetalipoproteinemia. Identifiers: MedGen C4551990, MONDO:0014252, OMIM 615558.
Hypercholesterolemia, autosomal dominant, type B (FHCL2). Also called: Familial Hypercholesterolemia Type B; APOB-Related Familial Hypercholesterolemia, Autosomal Dominant; Hyperlipoproteinemia Type IIb; Familial hypercholesterolemia 2; APOLIPOPROTEIN B-100, FAMILIAL DEFECTIVE; APOLIPOPROTEIN B-100, FAMILIAL LIGAND-DEFECTIVE. Identifiers: MedGen C1704417, MONDO:0007751, OMIM 144010.
Hypercholesterolemia, familial, 1. Also called: LDL RECEPTOR DISORDER; Hyperlipoproteinemia Type IIa; HYPER-LOW-DENSITY-LIPOPROTEINEMIA; HYPERCHOLESTEROLEMIC XANTHOMATOSIS, FAMILIAL; Fredrickson type IIa hyperlipoproteinemia; Hyperlipoproteinemia type 2. Identifiers: Orphanet 391665, MedGen C0745103, MONDO:0007750, OMIM 143890.

Allele frequency attached by ClinVar (database versions not stated): gnomAD exomes below 0.00001.
gnomAD v4.1: 3 of 1,614,188 alleles (0.00019%); highest among the groups gnomAD compares: Non-Finnish European, 0.00025%; no homozygotes.

Submissions (3):

Labcorp Genetics (formerly Invitae), Labcorp
Classification: Uncertain significance for Familial hypobetalipoproteinemia 1; Hypercholesterolemia, autosomal dominant, type B. Last evaluated: 2024-06-09. Review status: criteria provided, single submitter. Criteria: Invitae Variant Classification Sherloc (09022015). Collection method: clinical testing. Allele origin: germline.
Comment: This sequence change replaces alanine, which is neutral and non-polar, with valine, which is neutral and non-polar, at codon 527 of the APOB protein (p.Ala527Val). This variant is not present in population databases (gnomAD no frequency). This variant has not been reported in the literature in individuals affected with APOB-related conditions. ClinVar contains an entry for this variant (Variation ID: 265882). Advanced modeling of protein sequence and biophysical properties (such as structural, functional, and spatial information, amino acid conservation, physicochemical variation, residue mobility, and thermodynamic stability) performed at Invitae indicates that this missense variant is expected to disrupt APOB protein function with a positive predictive value of 80%. In summary, the available evidence is currently insufficient to determine the role of this variant in disease. Therefore, it has been classified as a Variant of Uncertain Significance.

AiLife Diagnostics
Classification: Uncertain significance. Last evaluated: 2022-01-31. Review status: criteria provided, single submitter. Criteria: ACMG Guidelines, 2015. Collection method: clinical testing. Allele origin: germline. Affected: yes. Observed: 1 variant allele.

Cardiovascular Research Group, Instituto Nacional de Saude Doutor Ricardo Jorge
Classification: Uncertain significance for Familial hypercholesterolemia. Last evaluated: 2016-03-01. Review status: criteria provided, single submitter. Criteria: ACMG Guidelines, 2015. Collection method: research. Allele origin: germline. Affected: yes.

NM_000384.3(APOB):c.1580C>T (p.Ala527Val)

Gene: APOB (apolipoprotein B; minus strand). Cytogenetic location: 2p24.1.
Variant type: single nucleotide variant.
Coding change: c.1580C>T on transcript NM_000384.3 (MANE Select); coding-DNA position 1580, C replaced by T.
Protein change: p.Ala527Val; replaces alanine 527 with valine.
Molecular consequence: missense variant.
Genome position (GRCh38, 1-based): chr2:21,029,676, G>A on the plus strand (C>T on the coding strand, the complement: APOB is on the minus strand). VCF-style: chr2-21029676-G-A. GRCh37 (hg19) VCF-style: chr2-21252548-G-A.
Other names: short protein forms A527V.
Identifiers: ClinVar variation 265882 (VCV000265882.19), dbSNP rs886039827, ClinGen allele CA10588887.